The following is an entry in ClinVar:

NM_201253.3(CRB1):c.3307G>A (p.Gly1103Arg)

Gene: CRB1 (crumbs cell polarity complex component 1; plus strand). Cytogenetic location: 1q31.3.
Variant type: single nucleotide variant.
Coding change: c.3307G>A on transcript NM_201253.3 (MANE Select); coding-DNA position 3307, G replaced by A.
Protein change: p.Gly1103Arg; replaces glycine 1103 with arginine.
Molecular consequence: missense variant. On other transcripts: non-coding transcript variant (2), intron variant (1).
Genome position (GRCh38, 1-based): chr1:197,435,170, G>A. VCF-style: chr1-197435170-G-A. GRCh37 (hg19) VCF-style: chr1-197404300-G-A.
Other names: c.2971G>A, p.Gly991Arg (NM_001193640.2); c.3235G>A, p.Gly1079Arg (NM_001257965.2); c.2129-430G>A (NM_001257966.2); short protein forms G1103R, G1079R, G991R.
Identifiers: ClinVar variation 5739 (VCV000005739.30), dbSNP rs62636275, ClinGen allele CA117711.

ClinVar aggregate classification (germline): Pathogenic. Review status: criteria provided, multiple submitters, no conflicts (2 of 4 stars). 18 submissions from 15 submitters: Pathogenic (12). 6 of the submissions do not count toward it. Last evaluated 2025-10-13.

Conditions:
CRB1-related disorder. Also called: CRB1-related condition; CRB1-related disorders.
Early-onset retinal dystrophy.
Leber congenital amaurosis 8 (LCA8). Identifiers: Orphanet 65, MedGen C3151202, MONDO:0013453, OMIM 613835.
Retinitis pigmentosa 12 (RP12). Also called: RP WITH OR WITHOUT PPRPE; RP WITH OR WITHOUT PRESERVED PARAARTERIOLE RETINAL PIGMENT EPITHELIUM; RETINITIS PIGMENTOSA WITH OR WITHOUT PARAARTERIOLAR PRESERVATION OF RETINAL PIGMENT EPITHELIUM. Identifiers: Orphanet 791, MedGen C1838647, MONDO:0010818, OMIM 600105.
Pigmented paravenous retinochoroidal atrophy. Identifiers: Orphanet 251295, MedGen C1868310, MONDO:0008246, OMIM 172870.
Leber congenital amaurosis (LCA). Also called: Leber's amaurosis. Identifiers: Orphanet 65, MedGen C0339527, MeSH D057130, MONDO:0018998.

Allele frequency attached by ClinVar (database versions not stated): ExAC 0.00002; gnomAD exomes 0.00002 and 0.00003; gnomAD 0.00003; TOPMed 0.00003.
gnomAD v4.1: 30 of 1,613,744 alleles (0.0019%); highest among the groups gnomAD compares: Non-Finnish European, 0.0024%; no homozygotes.

Submissions (18):

Natera, Inc.
Classification: Pathogenic for Leber congenital amaurosis. Last evaluated: 2025-10-13. Review status: criteria provided, single submitter. Criteria: Natera Variant Classification Schema (03/2026). Collection method: clinical testing. Allele origin: germline.
Comment: The c.3307G>A variant in CRB1 is a missense variant predicted to cause substitution of glycine to arginine at amino acid 1103. This variant is rare in the general population with a frequency below the threshold expected for the associated phenotype(s). This variant has been observed in one or more individuals affected with the associated recessive disease, as either homozygous or compound heterozygous with a second variant (PMID: 23449718, 19140180). Computational prediction algorithms indicate this variant is likely to affect gene or protein function. Given the available evidence, this variant is classified as Pathogenic.

Labcorp Genetics (formerly Invitae), Labcorp
Classification: Pathogenic for Leber congenital amaurosis 8; Retinitis pigmentosa 12. Last evaluated: 2025-07-20. Review status: criteria provided, single submitter. Criteria: Invitae Variant Classification Sherloc (09022015). Collection method: clinical testing. Allele origin: germline.
Comment: This sequence change replaces glycine, which is neutral and non-polar, with arginine, which is basic and polar, at codon 1103 of the CRB1 protein (p.Gly1103Arg). This variant is present in population databases (rs62636275, gnomAD 0.005%). This missense change has been observed in individuals with Leber congenital amaurosis or retinitis pigmentosa (PMID: 16543197, 19140180, 23449718). It is commonly reported in individuals of Israeli and Palestinian ancestry (PMID: 23449718). ClinVar contains an entry for this variant (Variation ID: 5739). Invitae Evidence Modeling of protein sequence and biophysical properties (such as structural, functional, and spatial information, amino acid conservation, physicochemical variation, residue mobility, and thermodynamic stability) indicates that this missense variant is expected to disrupt CRB1 protein function with a positive predictive value of 80%. For these reasons, this variant has been classified as Pathogenic.

PreventionGenetics, part of Exact Sciences
Classification: Pathogenic for CRB1-related condition. Last evaluated: 2025-03-10. Review status: criteria provided, single submitter. Criteria: ACMG Guidelines, 2015. Collection method: clinical testing. Allele origin: germline.
Comment: The CRB1 c.3307G>A variant is predicted to result in the amino acid substitution p.Gly1103Arg. This variant has been reported in the homozygous state and in the heterozygous state along with a second CRB1 variant in many individual with Leber congenital amaurosis or unspecified retinal disease (see for examples: Hanein et al. 2004. PubMed ID: 15024725; Table S2, Sharon et al. 2020. PubMed ID: 31456290; Azab et al. 2021. PubMed ID: 33921607; Table S1, Lin et al. 2024. PubMed ID: 38219857). This variant is present in 0.0053% of alleles in individuals of European (Non-Finnish) descent in gnomAD. This variant is interpreted as pathogenic.

Fulgent Genetics
Classification: Pathogenic for Pigmented paravenous retinochoroidal atrophy; Retinitis pigmentosa 12; Leber congenital amaurosis 8. Last evaluated: 2024-06-20. Review status: criteria provided, single submitter. Criteria: ACMG Guidelines, 2015. Collection method: clinical testing. Allele origin: germline.

GeneDx
Classification: Pathogenic. Last evaluated: 2024-04-09. Review status: criteria provided, single submitter. Criteria: GeneDx Variant Classification Process June 2021. Collection method: clinical testing. Allele origin: germline. Affected: yes.
Comment: In silico analysis supports that this missense variant has a deleterious effect on protein structure/function; This variant is associated with the following publications: (PMID: 16543197, 20956273, 22065545, 23449718, 26147992, 25133751, 17964524, 17724218, 19140180, 15024725, 31054281, 31456290, 31589614, 33441055, 35119454, 34884448, 33921607)

Genomic Medicine Center of Excellence, King Faisal Specialist Hospital and Research Centre
Classification: Pathogenic for Retinitis pigmentosa 12. Last evaluated: 2024-03-14. Review status: criteria provided, single submitter. Criteria: ACMG Guidelines, 2015. Collection method: research. Allele origin: germline.

Baylor Genetics
Classification: Pathogenic for Leber congenital amaurosis 8. Last evaluated: 2024-02-15. Review status: criteria provided, single submitter. Criteria: ACMG Guidelines, 2015. Collection method: clinical testing. Allele origin: unknown.

Genome-Nilou Lab
Classification: Pathogenic for Leber congenital amaurosis 8. Last evaluated: 2023-04-11. Review status: criteria provided, single submitter. Criteria: ACMG Guidelines, 2015. Collection method: clinical testing. Allele origin: germline. Affected: no.

Genome-Nilou Lab
Classification: Pathogenic for Pigmented paravenous retinochoroidal atrophy. Last evaluated: 2023-04-11. Review status: criteria provided, single submitter. Criteria: ACMG Guidelines, 2015. Collection method: clinical testing. Allele origin: germline. Affected: no.

Genome-Nilou Lab
Classification: Pathogenic for Retinitis pigmentosa 12. Last evaluated: 2023-04-11. Review status: criteria provided, single submitter. Criteria: ACMG Guidelines, 2015. Collection method: clinical testing. Allele origin: germline. Affected: no.

Blueprint Genetics
Classification: Pathogenic for CRB1-related disorders. Last evaluated: 2021-10-19. Review status: criteria provided, single submitter. Criteria: ACMG Guidelines, 2015. Collection method: clinical testing. Allele origin: germline. Affected: yes. Observed: 5 variant alleles.

Eurofins Ntd Llc (ga)
Classification: Pathogenic. Last evaluated: 2016-04-01. Review status: criteria provided, single submitter. Criteria: EGL Classification Definitions 2015. Collection method: clinical testing. Allele origin: germline. Observed: 1 variant allele, 1 homozygote.

Sharon lab, Hadassah-Hebrew University Medical Center
Classification: Pathogenic for leber congenital amaurosis. Last evaluated: 2019-06-23. Review status: no assertion criteria provided. Collection method: research. Allele origin: inherited. Affected: yes. Not counted in ClinVar's aggregate classification.

Molecular Genetics Laboratory, Institute for Ophthalmic Research
Classification: Pathogenic for Early-onset retinal dystrophy. Last evaluated: 2017-12-13. Review status: no assertion criteria provided. Collection method: research. Allele origin: inherited. Affected: yes. Not counted in ClinVar's aggregate classification.

OMIM
Classification: Pathogenic for LEBER CONGENITAL AMAUROSIS 8. Last evaluated: 2009-02-15. Review status: no assertion criteria provided. Collection method: literature only. Allele origin: germline. Not counted in ClinVar's aggregate classification.

OMIM
Classification: Pathogenic for RETINITIS PIGMENTOSA 12. Last evaluated: 2009-02-15. Review status: no assertion criteria provided. Collection method: literature only. Allele origin: germline. Not counted in ClinVar's aggregate classification.

Laboratory of Genetics in Ophthalmology, Institut Imagine
Classification: Pathogenic for Leber congenital amaurosis 8. Review status: no assertion criteria provided. Collection method: research. Allele origin: inherited. Affected: yes. Observed: 2 variant alleles. Not counted in ClinVar's aggregate classification.

Retina International
No classification provided. Review status: no classification provided. Collection method: not provided. Allele origin: not provided. Not counted in ClinVar's aggregate classification.

Literature cited by the submitters: PubMed 23449718 (cited by 3 submitters); PubMed 19140180 (cited by 3 submitters); PubMed 16543197 (cited by 3 submitters); PubMed 15024725 (cited by 3 submitters); PubMed 17724218 (cited by Eurofins Ntd Llc (ga)); PubMed 17964524 (cited by Eurofins Ntd Llc (ga)); PubMed 22065545 (cited by Eurofins Ntd Llc (ga)); PubMed 25133751 (cited by Eurofins Ntd Llc (ga)); PubMed 26147992 (cited by Eurofins Ntd Llc (ga)).